The following is an entry in ClinVar:

ClinVar aggregate classification (germline): Uncertain significance (1 of 4 stars; one submission).

Conditions:
D-2-hydroxyglutaric aciduria 1 (D2HGA1). Identifiers: Orphanet 79315, MedGen C3152055, MONDO:0024554, OMIM 600721.

Submission:

Labcorp Genetics (formerly Invitae), Labcorp
Classification: Uncertain significance for D-2-hydroxyglutaric aciduria 1. Last evaluated: 2019-05-06. Review status: criteria provided, single submitter. Criteria: Invitae Variant Classification Sherloc (09022015). Collection method: clinical testing. Allele origin: germline.
Comment: This variant results in a copy number gain of the genomic region encompassing the full coding sequence of the D2HGDH gene. The boundaries of this event are unknown as they extend beyond the assayed region for this gene and therefore may encompass additional genes. As the precise location of this event is unknown, it may be in tandem or it may be located elsewhere in the genome. This variant has not been reported in the literature in individuals with D2HGDH-related conditions. In summary, the available evidence is currently insufficient to determine the role of this variant in disease. Therefore, it has been classified as a Variant of Uncertain Significance.

NC_000002.12:g.(?_241735205)_(241767989_?)dup

Gene: D2HGDH (D-2-hydroxyglutarate dehydrogenase; plus strand). Cytogenetic location: 2q37.3.
Variant type: Duplication.
Identifiers: ClinVar variation 832308 (VCV000832308.1).